The following is an entry in ClinVar:

ClinVar aggregate classification (germline): Uncertain significance (1 of 4 stars; one submission).

Conditions:
Developmental delay, behavioral abnormalities, and neuropsychiatric disorders (DEDBANP). Identifiers: MedGen C5774224, MONDO:0859292, OMIM 620065.

Submission:

3billion
Classification: Uncertain significance for Developmental delay, behavioral abnormalities, and neuropsychiatric disorders. Last evaluated: 2024-06-24. Review status: criteria provided, single submitter. Criteria: ACMG Guidelines, 2015. Collection method: clinical testing. Allele origin: germline. Affected: yes.
Comment: The variant is not observed in the gnomAD v4.0.0 dataset. Predicted Consequence/Location: Frameshift: predicted to result in a loss or disruption of normal protein function through protein truncation. The predicted truncated protein may be shortened by more than 10%. Therefore, this variant is classified as VUS according to the recommendation of ACMG/AMP guideline.

NM_014921.5(ADGRL1):c.3912del (p.Val1305fs)

Genes: ADGRL1 (adhesion G protein-coupled receptor L1; minus strand), ADGRL1-AS1 (ADGRL1 antisense RNA 1; plus strand). Cytogenetic location: 19p13.12.
Variant type: Deletion.
Coding change: c.3912del on transcript NM_014921.5 (MANE Select); coding-DNA position 3912, one base deleted (T; older notation c.3912delT).
Protein change: p.Val1305fs; shifts the reading frame from valine 1305.
Molecular consequence: frameshift variant.
Genome position (GRCh38, 1-based): chr19:14,151,371, A deleted on the plus strand (T on the coding strand, the reverse complement: ADGRL1 is on the minus strand). VCF-style (leftmost placement, unchanged base first): chr19-14151370-CA-C. GRCh37 (hg19) VCF-style: chr19-14262182-CA-C.
Other names: c.3927del, p.Val1310fs (NM_001008701.3); short protein forms V1305fs, V1310fs.
Identifiers: ClinVar variation 4292788 (VCV004292788.1).